The following is an entry in ClinVar:

NM_001065.4(TNFRSF1A):c.769-23=

Gene: TNFRSF1A (TNF receptor superfamily member 1A; minus strand). Cytogenetic location: 12p13.31.
Variant type: single nucleotide variant.
Coding change: c.769-23= on transcript NM_001065.4 (MANE Select); 23 bases into the intron before coding-DNA position 769, no change from the reference sequence.
Molecular consequence: intron variant.
Genome position: GRCh38 VCF-style: chr12-6330089-G-G. GRCh37 (hg19) VCF-style: chr12-6439255-A-G.
Other names: c.445-23= (NM_001346091.2); c.310-23= (NM_001346092.2).
Identifiers: ClinVar variation 1220559 (VCV001220559.4), dbSNP rs10849443.

ClinVar aggregate classification (germline): Benign. Review status: criteria provided, multiple submitters, no conflicts (2 of 4 stars). 2 submissions from 2 submitters: Benign (2). Last evaluated 2015-03-03.

Allele frequency attached by ClinVar (database versions not stated): gnomAD exomes 1.00000.

Submissions (2):

GeneDx
Classification: Benign. Last evaluated: 2015-03-03. Review status: criteria provided, single submitter. Criteria: GeneDx Variant Classification Process June 2021. Collection method: clinical testing. Allele origin: germline. Affected: yes.
Comment: This variant is associated with the following publications: (PMID: 31774538)

Breakthrough Genomics
Classification: Benign. Review status: criteria provided, single submitter. Criteria: ACMG Guidelines, 2015. Collection method: not provided. Allele origin: germline. Inheritance: Autosomal dominant inheritance. Affected: yes.